The following is an entry in ClinVar:

ClinVar aggregate classification (germline): Uncertain significance. Review status: criteria provided, multiple submitters, no conflicts (2 of 4 stars). 2 submissions from 2 submitters: Uncertain significance (2). Last evaluated 2024-05-29.

Conditions:
Autosomal dominant nonsyndromic hearing loss 27. Also called: Deafness, autosomal dominant 27. Identifiers: Orphanet 90635, MedGen C3887929, MONDO:0012902, OMIM 612431.
Wilms tumor 6 (WT6). Also called: WILMS TUMOR 6, SUSCEPTIBILITY TO. Identifiers: Orphanet 654, MedGen C3891301, MONDO:0014779, OMIM 616806.
Fibromatosis, gingival, 5. Also called: FIBROMATOSIS, GINGIVAL, HEREDITARY, 5. Identifiers: MedGen C4539942, MONDO:0033493, OMIM 617626.

Allele frequency attached by ClinVar (database versions not stated): gnomAD exomes below 0.00001; gnomAD 0.00001; TOPMed 0.00004.
gnomAD v4.1: 4 of 1,613,294 alleles (0.00025%); highest among the groups gnomAD compares: African/African-American, 0.0054%; no homozygotes.

Submissions (2):

Fulgent Genetics
Classification: Uncertain significance for Autosomal dominant nonsyndromic hearing loss 27; Wilms tumor 6; Fibromatosis, gingival, 5. Last evaluated: 2024-05-29. Review status: criteria provided, single submitter. Criteria: ACMG Guidelines, 2015. Collection method: clinical testing. Allele origin: germline.

Labcorp Genetics (formerly Invitae), Labcorp
Classification: Uncertain significance. Last evaluated: 2020-03-22. Review status: criteria provided, single submitter. Criteria: Invitae Variant Classification Sherloc (09022015). Collection method: clinical testing. Allele origin: germline.
Comment: This sequence change replaces proline with serine at codon 690 of the REST protein (p.Pro690Ser). The proline residue is weakly conserved and there is a moderate physicochemical difference between proline and serine. This variant has not been reported in the literature in individuals with REST-related conditions. This variant is not present in population databases (ExAC no frequency). In summary, the available evidence is currently insufficient to determine the role of this variant in disease. Therefore, it has been classified as a Variant of Uncertain Significance. Algorithms developed to predict the effect of missense changes on protein structure and function output the following: SIFT: "Tolerated"; PolyPhen-2: "Benign"; Align-GVGD: "Class C0". The serine amino acid residue is found in multiple mammalian species, suggesting that this missense change does not adversely affect protein function. These predictions have not been confirmed by published functional studies and their clinical significance is uncertain.

NM_005612.5(REST):c.2068C>T (p.Pro690Ser)

Gene: REST (RE1 silencing transcription factor; plus strand). Cytogenetic location: 4q12.
Variant type: single nucleotide variant.
Coding change: c.2068C>T on transcript NM_005612.5 (MANE Select); coding-DNA position 2068, C replaced by T.
Protein change: p.Pro690Ser; replaces proline 690 with serine.
Molecular consequence: missense variant.
Genome position (GRCh38, 1-based): chr4:56,930,926, C>T. VCF-style: chr4-56930926-C-T. GRCh37 (hg19) VCF-style: chr4-57797092-C-T.
Other names: c.2068C>T, p.Pro690Ser (NM_001193508.2, NM_001363453.3); short protein forms P690S.
Identifiers: ClinVar variation 1047303 (VCV001047303.9), dbSNP rs1169375776, ClinGen allele CA357008009.